The following is an entry in ClinVar:

ClinVar aggregate classification (germline): Uncertain significance (1 of 4 stars; one submission).

Submission:

Labcorp Genetics (formerly Invitae), Labcorp
Classification: Uncertain significance. Last evaluated: 2022-09-20. Review status: criteria provided, single submitter. Criteria: Invitae Variant Classification Sherloc (09022015). Collection method: clinical testing. Allele origin: germline.
Comment: In summary, the available evidence is currently insufficient to determine the role of this variant in disease. Therefore, it has been classified as a Variant of Uncertain Significance. This sequence change falls in intron 8 of the CACNA1D gene. It does not directly change the encoded amino acid sequence of the CACNA1D protein. It affects a nucleotide within the consensus splice site. This variant is present in population databases (no rsID available, gnomAD 0.003%). This variant has not been reported in the literature in individuals affected with CACNA1D-related conditions. Variants that disrupt the consensus splice site are a relatively common cause of aberrant splicing (PMID: 17576681, 9536098). Algorithms developed to predict the effect of sequence changes on RNA splicing suggest that this variant is not likely to affect RNA splicing.

Literature cited by the submitters: PubMed 17576681; PubMed 9536098.

NM_001128840.3(CACNA1D):c.1220+696C>T

Gene: CACNA1D (calcium voltage-gated channel subunit alpha1 D; plus strand). Cytogenetic location: 3p21.1.
Variant type: single nucleotide variant.
Coding change: c.1220+696C>T on transcript NM_001128840.3 (MANE Select); 696 bases into the intron after coding-DNA position 1220, C replaced by T.
Molecular consequence: intron variant.
Genome position (GRCh38, 1-based): chr3:53,673,822, C>T. VCF-style: chr3-53673822-C-T. GRCh37 (hg19) VCF-style: chr3-53707849-C-T.
Other names: c.1220+696C>T (NM_001128839.3); c.1220+6C>T (NM_000720.4).
Identifiers: ClinVar variation 1961323 (VCV001961323.5), dbSNP rs1358050126, ClinGen allele CA543036029.